The following is an entry in ClinVar:

NM_006947.4(SRP72):c.967T>G (p.Cys323Gly)

Gene: SRP72 (signal recognition particle 72; plus strand). Cytogenetic location: 4q12.
Variant type: single nucleotide variant.
Coding change: c.967T>G on transcript NM_006947.4 (MANE Select); coding-DNA position 967, T replaced by G.
Protein change: p.Cys323Gly; replaces cysteine 323 with glycine.
Molecular consequence: missense variant. On other transcripts: non-coding transcript variant (1).
Genome position (GRCh38, 1-based): chr4:56,484,745, T>G. VCF-style: chr4-56484745-T-G. GRCh37 (hg19) VCF-style: chr4-57350911-T-G.
Other names: c.784T>G, p.Cys262Gly (NM_001267722.2); short protein forms C323G, C262G.
Identifiers: ClinVar variation 3962094 (VCV003962094.1).

ClinVar aggregate classification (germline): Uncertain significance (1 of 4 stars; one submission).

gnomAD v4.1: 1 of 1,614,148 alleles (0.000062%); highest among the groups gnomAD compares: South Asian, 0.0011%; no homozygotes.

Submission:

Ambry Genetics
Classification: Uncertain significance. Last evaluated: 2025-05-02. Review status: criteria provided, single submitter. Criteria: Ambry Variant Classification Scheme 2023. Collection method: clinical testing. Allele origin: germline.
Comment: The p.C323G variant (also known as c.967T>G), located in coding exon 10 of the SRP72 gene, results from a T to G substitution at nucleotide position 967. The cysteine at codon 323 is replaced by glycine, an amino acid with highly dissimilar properties. This amino acid position is conserved. In addition, this alteration is predicted to be deleterious by in silico analysis. Based on the available evidence, the clinical significance of this variant remains unclear.